The following is an entry in ClinVar:

ClinVar aggregate classification (germline): Likely pathogenic (1 of 4 stars; one submission).

Conditions:
Niemann-Pick disease, type C1. Also called: NIEMANN-PICK DISEASE, VARIANT TYPE C1; NEUROVISCERAL STORAGE DISEASE WITH VERTICAL SUPRANUCLEAR OPHTHALMOPLEGIA; NIEMANN-PICK DISEASE WITH CHOLESTEROL ESTERIFICATION BLOCK; NIEMANN-PICK DISEASE WITHOUT SPHINGOMYELINASE DEFICIENCY; NIEMANN-PICK DISEASE, CHRONIC NEURONOPATHIC FORM. Identifiers: Orphanet 646, MedGen C3179455, MONDO:0009757, OMIM 257220.

Submission:

Foundation for Research in Genetics and Endocrinology, FRIGE's Institute of Human Genetics
Classification: Likely pathogenic for Niemann-Pick disease, type C1. Last evaluated: 2025-01-16. Review status: criteria provided, single submitter. Criteria: ACMG Guidelines, 2015. Collection method: clinical testing. Allele origin: germline. Inheritance: Autosomal recessive inheritance. Affected: yes. Observed: 1 compound heterozygote.
Comment: A heterozygous single base pair duplication in exon 18 of the NPC1 gene that results in a frameshift and premature truncation of the protein 26 amino acids downstream to codon 892 (p.Val892CysfsTer26) was detected. This variant has not been reported in the 1000 genomes and gnomAD databases. The in silico prediction of the variant is damaging by MutationTaster2. In summary, the variant meets our criteria to be classified as likely pathogenic

NM_000271.5(NPC1):c.2673dup (p.Val892fs)

Gene: NPC1 (NPC intracellular cholesterol transporter 1; minus strand). Cytogenetic location: 18q11.2.
Variant type: Duplication.
Coding change: c.2673dup on transcript NM_000271.5 (MANE Select); coding-DNA position 2673, one base duplicated (T; older notation c.2673dupT).
Protein change: p.Val892fs; shifts the reading frame from valine 892.
Molecular consequence: frameshift variant.
Genome position (GRCh38, 1-based): chr18:23,539,933, A duplicated on the plus strand (T on the coding strand, the reverse complement: NPC1 is on the minus strand); the first of 3 consecutive A bases (chr18:23,539,933-23,539,935); duplicating any one gives the same sequence. VCF-style (leftmost placement, unchanged base first): chr18-23539932-C-CA. GRCh37 (hg19) VCF-style: chr18-21119896-C-CA.
Other names: p.Val892Cysfs*26; short protein forms V892fs.
Identifiers: ClinVar variation 3600299 (VCV003600299.2).